The following is an entry in ClinVar:

ClinVar aggregate classification (germline): Uncertain significance (1 of 4 stars; one submission).

Conditions:
Capillary malformation-arteriovenous malformation syndrome. Also called: Capillary malformation-arteriovenous malformation. Identifiers: Orphanet 137667, MedGen C1842180, MONDO:0012016.

Submission:

Labcorp Genetics (formerly Invitae), Labcorp
Classification: Uncertain significance for Capillary malformation-arteriovenous malformation syndrome. Last evaluated: 2025-09-22. Review status: criteria provided, single submitter. Criteria: Invitae Variant Classification Sherloc (09022015). Collection method: clinical testing. Allele origin: germline.
Comment: This sequence change falls in intron 18 of the RASA1 gene. It does not directly change the encoded amino acid sequence of the RASA1 protein. This variant is not present in population databases (gnomAD no frequency). This variant has not been reported in the literature in individuals affected with RASA1-related conditions. Algorithms developed to predict the effect of sequence changes on RNA splicing suggest that this variant may disrupt the consensus splice site. In summary, the available evidence is currently insufficient to determine the role of this variant in disease. Therefore, it has been classified as a Variant of Uncertain Significance.

NM_002890.3(RASA1):c.2488-8T>G

Genes: CCNH (cyclin H; minus strand), RASA1 (RAS p21 protein activator 1; plus strand). Cytogenetic location: 5q14.3.
Variant type: single nucleotide variant.
Coding change: c.2488-8T>G on transcript NM_002890.3 (MANE Select); 8 bases into the intron before coding-DNA position 2488, T replaced by G.
Molecular consequence: intron variant.
Genome position (GRCh38, 1-based): chr5:87,379,727, T>G. VCF-style: chr5-87379727-T-G. GRCh37 (hg19) VCF-style: chr5-86675544-T-G.
Other names: c.1957-8T>G (NM_022650.3); c.933+15317A>C (NM_001364075.2).
Identifiers: ClinVar variation 4769098 (VCV004769098.1).